The following is an entry in ClinVar:

NM_001377.3(DYNC2H1):c.8992G>A (p.Glu2998Lys)

Gene: DYNC2H1 (dynein cytoplasmic 2 heavy chain 1; plus strand). Cytogenetic location: 11q22.3.
Variant type: single nucleotide variant.
Coding change: c.8992G>A on transcript NM_001377.3 (MANE Select); coding-DNA position 8992, G replaced by A.
Protein change: p.Glu2998Lys; replaces glutamic acid 2998 with lysine.
Molecular consequence: missense variant.
Genome position (GRCh38, 1-based): chr11:103,220,668, G>A. VCF-style: chr11-103220668-G-A. GRCh37 (hg19) VCF-style: chr11-103091397-G-A.
Other names: c.8992G>A, p.Glu2998Lys (NM_001080463.2); short protein forms E2998K.
Identifiers: ClinVar variation 3384321 (VCV003384321.3).

ClinVar aggregate classification (germline): Uncertain significance. Review status: criteria provided, multiple submitters, no conflicts (2 of 4 stars). 2 submissions from 2 submitters: Uncertain significance (2). Last evaluated 2024-06-07.

Conditions:
Asphyxiating thoracic dystrophy 3. Also called: SHORT-RIB THORACIC DYSPLASIA 3 WITH OR WITHOUT POLYDACTYLY; POLYDACTYLY WITH NEONATAL CHONDRODYSTROPHY, TYPE I; SHORT-RIB THORACIC DYSPLASIA 3/6 WITH POLYDACTYLY, DIGENIC; Short rib polydactyly syndrome 2B; Saldino-Noonan Syndrome. Identifiers: Orphanet 474, Orphanet 93269, Orphanet 93270, Orphanet 93271, MedGen C0036069, MONDO:0013127, OMIM 613091.

gnomAD v4.1: 28 of 1,611,986 alleles (0.0017%); highest among the groups gnomAD compares: East Asian, 0.0045%; no homozygotes.

Submissions (2):

GeneDx
Classification: Uncertain significance. Last evaluated: 2024-06-07. Review status: criteria provided, single submitter. Criteria: GeneDx Variant Classification Process June 2021. Collection method: clinical testing. Allele origin: germline. Affected: yes.
Comment: In silico analysis supports that this missense variant has a deleterious effect on protein structure/function; Has not been previously published as pathogenic or benign to our knowledge

Juno Genomics, Hangzhou Juno Genomics, Inc
Classification: Uncertain significance for Asphyxiating thoracic dystrophy 3. Review status: criteria provided, single submitter. Criteria: ACMG Guidelines, 2015. Collection method: clinical testing. Allele origin: germline.
Comment: Absent from controls (or at extremely low frequency if recessive) in Genome Aggregation Database.